The following is an entry in ClinVar:

NM_006363.6(SEC23B):c.2242G>A (p.Asp748Asn)

Gene: SEC23B (SEC23 homolog B, COPII component; plus strand). Cytogenetic location: 20p11.23.
Variant type: single nucleotide variant.
Coding change: c.2242G>A on transcript NM_006363.6 (MANE Select); coding-DNA position 2242, G replaced by A.
Protein change: p.Asp748Asn; replaces aspartic acid 748 with asparagine.
Molecular consequence: missense variant.
Genome position (GRCh38, 1-based): chr20:18,560,678, G>A. VCF-style: chr20-18560678-G-A. GRCh37 (hg19) VCF-style: chr20-18541322-G-A.
Other names: c.2242G>A, p.Asp748Asn (NM_001172745.3, NM_032985.6, NM_032986.5); c.2188G>A, p.Asp730Asn (NM_001172746.3); short protein forms D748N, D730N.
Identifiers: ClinVar variation 1448608 (VCV001448608.6), dbSNP rs2122200225, ClinGen allele CA408367229.

ClinVar aggregate classification (germline): Uncertain significance (1 of 4 stars; one submission).

Conditions:
Congenital dyserythropoietic anemia, type II (CDAN2). Also called: DYSERYTHROPOIETIC ANEMIA, HEMPAS TYPE. Identifiers: Orphanet 98873, MedGen C1306589, MONDO:0009134, OMIM 224100.
Cowden syndrome 7 (CWS7). Identifiers: Orphanet 201, MedGen C4225179, MONDO:0014802, OMIM 616858.

Submission:

Labcorp Genetics (formerly Invitae), Labcorp
Classification: Uncertain significance for Congenital dyserythropoietic anemia, type II; Cowden syndrome 7. Last evaluated: 2021-09-19. Review status: criteria provided, single submitter. Criteria: Invitae Variant Classification Sherloc (09022015). Collection method: clinical testing. Allele origin: germline.
Comment: This sequence change replaces aspartic acid with asparagine at codon 748 of the SEC23B protein (p.Asp748Asn). The aspartic acid residue is highly conserved and there is a small physicochemical difference between aspartic acid and asparagine. This variant is not present in population databases (ExAC no frequency). This variant has not been reported in the literature in individuals affected with SEC23B-related conditions. Algorithms developed to predict the effect of missense changes on protein structure and function are either unavailable or do not agree on the potential impact of this missense change (SIFT: "Deleterious"; PolyPhen-2: "Probably Damaging"; Align-GVGD: "Class C15"). In summary, the available evidence is currently insufficient to determine the role of this variant in disease. Therefore, it has been classified as a Variant of Uncertain Significance.